The following is an entry in ClinVar:

NM_207352.4(CYP4V2):c.234T>G (p.Ile78Met)

Gene: CYP4V2 (cytochrome P450 family 4 subfamily V member 2; plus strand). Cytogenetic location: 4q35.1.
Variant type: single nucleotide variant.
Coding change: c.234T>G on transcript NM_207352.4 (MANE Select); coding-DNA position 234, T replaced by G.
Protein change: p.Ile78Met; replaces isoleucine 78 with methionine.
Molecular consequence: missense variant.
Genome position (GRCh38, 1-based): chr4:186,194,519, T>G. VCF-style: chr4-186194519-T-G. GRCh37 (hg19) VCF-style: chr4-187115673-T-G.
Other names: short protein forms I78M.
Identifiers: ClinVar variation 1426581 (VCV001426581.3), dbSNP rs1475165142, ClinGen allele CA358946838.
Genomic context (GRCh38, chr4:186,194,519, plus strand): 5'-TCTCATCTTGATTGAATTTCAAATTTGATGTTTTTCCCCAGAATTTTTTCAGCAGATCAT[T>G]GAGTACACAGAGGAATACCGCCACATGCCGCTGCTGAAGCTCTGGGTCGGGCCAGTGCCC-3'
Protein context (NP_997235.3, residues 68-88): PDGREFFQQI[Ile78Met]EYTEEYRHMP

ClinVar aggregate classification (germline): Uncertain significance (1 of 4 stars; one submission).

Allele frequency attached by ClinVar (database versions not stated): TOPMed below 0.00001; gnomAD 0.00001.
gnomAD v4.1: 2 of 1,614,062 alleles (0.00012%); highest among the groups gnomAD compares: Non-Finnish European, 0.00017%; no homozygotes.

Submission:

Labcorp Genetics (formerly Invitae), Labcorp
Classification: Uncertain significance. Last evaluated: 2021-11-10. Review status: criteria provided, single submitter. Criteria: Invitae Variant Classification Sherloc (09022015). Collection method: clinical testing. Allele origin: germline.
Comment: This sequence change replaces isoleucine, which is neutral and non-polar, with methionine, which is neutral and non-polar, at codon 78 of the CYP4V2 protein (p.Ile78Met). This variant is not present in population databases (gnomAD no frequency). This variant has not been reported in the literature in individuals affected with CYP4V2-related conditions. Advanced modeling of protein sequence and biophysical properties (such as structural, functional, and spatial information, amino acid conservation, physicochemical variation, residue mobility, and thermodynamic stability) performed at Invitae indicates that this missense variant is not expected to disrupt CYP4V2 protein function. In summary, the available evidence is currently insufficient to determine the role of this variant in disease. Therefore, it has been classified as a Variant of Uncertain Significance.